The following is an entry in ClinVar:

ClinVar aggregate classification (germline): Uncertain significance. Review status: criteria provided, multiple submitters, no conflicts (2 of 4 stars). 3 submissions from 3 submitters: Uncertain significance (3). Last evaluated 2024-11-04.

Conditions:
Immunodeficiency 25. Also called: Immunodeficiency due to defect in cd3-zeta, somatic. Identifiers: MedGen C1857798, MONDO:0012426, OMIM 610163.

Allele frequency attached by ClinVar (database versions not stated): ExAC 0.00003; gnomAD exomes 0.00003; gnomAD 0.00007 and 0.00008; TOPMed 0.00008; ESP Exome Variant Server 0.00015.

Submissions (3):

Blueprint Genetics
Classification: Uncertain significance. Last evaluated: 2024-11-04. Review status: criteria provided, single submitter. Criteria: ACMG Guidelines, 2015. Collection method: clinical testing. Allele origin: germline.

Labcorp Genetics (formerly Invitae), Labcorp
Classification: Uncertain significance for Immunodeficiency 25. Last evaluated: 2024-10-29. Review status: criteria provided, single submitter. Criteria: Invitae Variant Classification Sherloc (09022015). Collection method: clinical testing. Allele origin: germline.
Comment: This sequence change replaces phenylalanine, which is neutral and non-polar, with leucine, which is neutral and non-polar, at codon 50 of the CD247 protein (p.Phe50Leu). This variant is present in population databases (rs147458563, gnomAD 0.008%). This variant has not been reported in the literature in individuals affected with CD247-related conditions. ClinVar contains an entry for this variant (Variation ID: 1005445). An algorithm developed to predict the effect of missense changes on protein structure and function (PolyPhen-2) suggests that this variant is likely to be disruptive. In summary, the available evidence is currently insufficient to determine the role of this variant in disease. Therefore, it has been classified as a Variant of Uncertain Significance.

Breakthrough Genomics
Classification: Uncertain significance. Review status: criteria provided, single submitter. Criteria: ACMG Guidelines, 2015. Collection method: not provided. Allele origin: germline. Inheritance: Autosomal recessive inheritance. Affected: yes.

NM_198053.3(CD247):c.148T>C (p.Phe50Leu)

Gene: CD247 (CD247 molecule; minus strand). Cytogenetic location: 1q24.2.
Variant type: single nucleotide variant.
Coding change: c.148T>C on transcript NM_198053.3 (MANE Select); coding-DNA position 148, T replaced by C.
Protein change: p.Phe50Leu; replaces phenylalanine 50 with leucine.
Molecular consequence: missense variant.
Genome position (GRCh38, 1-based): chr1:167,440,678, A>G on the plus strand (T>C on the coding strand, the complement: CD247 is on the minus strand). VCF-style: chr1-167440678-A-G. GRCh37 (hg19) VCF-style: chr1-167409915-A-G.
Other names: c.148T>C, p.Phe50Leu (NM_000734.4); c.241T>C, p.Phe81Leu (NM_001378515.1, NM_001378516.1); short protein forms F50L, F81L.
Identifiers: ClinVar variation 1005445 (VCV001005445.5), dbSNP rs147458563, ClinGen allele CA1226103.